The following is an entry in ClinVar:

ClinVar aggregate classification (germline): Pathogenic/Likely pathogenic. Review status: criteria provided, multiple submitters, no conflicts (2 of 4 stars). 3 submissions from 3 submitters: Pathogenic (1); Likely pathogenic (2). Last evaluated 2025-02-11.

Conditions:
Pyruvate dehydrogenase E1-beta deficiency (PDHBD). Identifiers: Orphanet 255138, Orphanet 765, MedGen C3279841, MONDO:0013580, OMIM 614111.
Pyruvate dehydrogenase phosphatase deficiency (PDHPD). Also called: LACTIC ACIDEMIA WITH PYRUVATE DEHYDROGENASE PHOSPHATASE DEFICIENCY. Identifiers: Orphanet 79246, MedGen C1837429, MONDO:0012120, OMIM 608782.

Allele frequency attached by ClinVar (database versions not stated): ESP Exome Variant Server 0.00008.

Submissions (3):

Natera, Inc.
Classification: Likely pathogenic for Pyruvate dehydrogenase phosphatase deficiency. Last evaluated: 2025-02-11. Review status: criteria provided, single submitter. Criteria: Natera Variant Classification Schema (03/2026). Collection method: clinical testing. Allele origin: germline.
Comment: The c.211C>T variant in PDHB is a nonsense variant predicted to introduce a stop codon at amino acid 71. This variant is expected to result in nonsense mediated decay, truncation, or a dysfunctional protein product. This variant is rare in the general population with a frequency below the threshold expected for the associated phenotype(s). Given the available evidence, this variant is classified as Likely Pathogenic.

Labcorp Genetics (formerly Invitae), Labcorp
Classification: Pathogenic for Pyruvate dehydrogenase E1-beta deficiency. Last evaluated: 2023-10-28. Review status: criteria provided, single submitter. Criteria: Invitae Variant Classification Sherloc (09022015). Collection method: clinical testing. Allele origin: germline.
Comment: This sequence change creates a premature translational stop signal (p.Arg71*) in the PDHB gene. It is expected to result in an absent or disrupted protein product. Loss-of-function variants in PDHB are known to be pathogenic (PMID: 21914562, 25356417). This variant is not present in population databases (gnomAD no frequency). This variant has not been reported in the literature in individuals affected with PDHB-related conditions. For these reasons, this variant has been classified as Pathogenic.

Baylor Genetics
Classification: Likely pathogenic for Pyruvate dehydrogenase E1-beta deficiency. Last evaluated: 2022-06-23. Review status: criteria provided, single submitter. Criteria: ACMG Guidelines, 2015. Collection method: clinical testing. Allele origin: unknown.

Literature cited by the submitters: PubMed 21914562 (cited by Labcorp Genetics (formerly Invitae), Labcorp); PubMed 25356417 (cited by Labcorp Genetics (formerly Invitae), Labcorp).

NM_000925.4(PDHB):c.211C>T (p.Arg71Ter)

Gene: PDHB (pyruvate dehydrogenase E1 subunit beta; minus strand). Cytogenetic location: 3p14.3.
Variant type: single nucleotide variant.
Coding change: c.211C>T on transcript NM_000925.4 (MANE Select); coding-DNA position 211, C replaced by T.
Protein change: p.Arg71Ter; replaces arginine 71 with a stop codon.
Molecular consequence: nonsense. On other transcripts: non-coding transcript variant (1).
Genome position (GRCh38, 1-based): chr3:58,431,787, G>A on the plus strand (C>T on the coding strand, the complement: PDHB is on the minus strand). VCF-style: chr3-58431787-G-A. GRCh37 (hg19) VCF-style: chr3-58417514-G-A.
Other names: c.211C>T (NM_000925.3); c.211C>T, p.Arg71Ter (NM_001173468.2); c.157C>T, p.Arg53Ter (NM_001315536.2); short protein forms R53*, R71*.
Identifiers: ClinVar variation 2677600 (VCV002677600.5), dbSNP rs373124742, ClinGen allele CA75458047.